The following is an entry in ClinVar:

NM_198965.2(PTHLH):c.128T>C (p.Leu43Pro)

Gene: PTHLH (parathyroid hormone like hormone; minus strand). Cytogenetic location: 12p11.22.
Variant type: single nucleotide variant.
Coding change: c.128T>C on transcript NM_198965.2 (MANE Select); coding-DNA position 128, T replaced by C.
Protein change: p.Leu43Pro; replaces leucine 43 with proline.
Molecular consequence: missense variant.
Genome position (GRCh38, 1-based): chr12:27,963,744, A>G on the plus strand (T>C on the coding strand, the complement: PTHLH is on the minus strand). VCF-style: chr12-27963744-A-G. GRCh37 (hg19) VCF-style: chr12-28116677-A-G.
Other names: c.128T>C, p.Leu43Pro (NM_002820.3, NM_198964.2, NM_198966.2); short protein forms L43P.
Identifiers: ClinVar variation 1303824 (VCV001303824.2), dbSNP rs2120633629, ClinGen allele CA384339587.

ClinVar aggregate classification (germline): Uncertain significance (1 of 4 stars; one submission).

Submission:

GeneDx
Classification: Uncertain significance. Last evaluated: 2019-08-09. Review status: criteria provided, single submitter. Criteria: GeneDx Variant Classification Process June 2021. Collection method: clinical testing. Allele origin: germline. Affected: yes.
Comment: Not observed in large population cohorts (Lek et al., 2016); In silico analysis, which includes protein predictors and evolutionary conservation, supports a deleterious effect; Has not been previously published as pathogenic or benign to our knowledge